The following is an entry in ClinVar:

NM_015443.4(KANSL1):c.1541_1542del (p.Ser514fs)

Gene: KANSL1 (KAT8 regulatory NSL complex subunit 1). Cytogenetic location: 17q21.31.
Variant type: Deletion.
Coding change: c.1541_1542del on transcript NM_015443.4 (MANE Select); coding-DNA positions 1541 to 1542, 2 bases deleted.
Protein change: p.Ser514fs; shifts the reading frame from serine 514.
Molecular consequence: frameshift variant.
Genome position: GRCh38 VCF-style: chr17-46067658-CAG-C. GRCh37 (hg19) VCF-style: chr17-44145024-CAG-C.
Other names: c.1439_1440del, p.Ser480fs (NM_001405881.1, NM_001405859.1, NM_001405860.1 and 1 more transcripts); c.275_276del, p.Ser92fs (NM_001405882.1, NM_001405883.1, NM_001405884.1 and 1 more transcripts); c.1541_1542del, p.Ser514fs (NM_001405876.1, NM_001405877.1, NM_001405878.1 and 14 more transcripts); short protein forms S480fs, S92fs, S514fs.
Identifiers: ClinVar variation 4294372 (VCV004294372.1).

ClinVar aggregate classification (germline): Pathogenic (1 of 4 stars; one submission).

Conditions:
Koolen-de Vries syndrome (KDVS). Identifiers: Orphanet 96169, MedGen C1864871, MONDO:0012496, OMIM 610443.

Submission:

Laboratoire Génétique Moléculaire, CHRU TOURS
Classification: Pathogenic for Koolen-de Vries syndrome. Last evaluated: 2024-02-20. Review status: criteria provided, single submitter. Criteria: ACMG Guidelines, 2015. Collection method: clinical testing. Allele origin: unknown. Affected: yes.
Comment: PVS1;PS2;PM2;PP4